The following is an entry in ClinVar:

NM_003742.4(ABCB11):c.713G>C (p.Gly238Ala)

Gene: ABCB11 (ATP binding cassette subfamily B member 11; minus strand). Cytogenetic location: 2q31.1.
Variant type: single nucleotide variant.
Coding change: c.713G>C on transcript NM_003742.4 (MANE Select); coding-DNA position 713, G replaced by C.
Protein change: p.Gly238Ala; replaces glycine 238 with alanine.
Molecular consequence: missense variant.
Genome position (GRCh38, 1-based): chr2:168,993,781, C>G on the plus strand (G>C on the coding strand, the complement: ABCB11 is on the minus strand). VCF-style: chr2-168993781-C-G. GRCh37 (hg19) VCF-style: chr2-169850291-C-G.
Other names: c.713G>C, p.Gly238Ala (LRG_1199t1); c.713G>C (NM_003742.2); short protein forms G238A.
Identifiers: ClinVar variation 502739 (VCV000502739.7), dbSNP rs72551306, ClinGen allele CA349128358.
Genomic context (GRCh38, chr2:168,993,781, plus strand): 5'-GTGGCTGCTCCAATCCCAATGAGAGGGCTGACAGAAATAATAACCAAGGTCAGTTTCCAA[C>G]CCCTGAAAAATCCCAACAGGAAACCACAGATGGTCGAGGTCATGCGCTGAATGAAAAGGG-3'
Protein context (NP_003733.2, residues 228-248): ICGFLLGFFR[Gly238Ala]WKLTLVIISV

ClinVar aggregate classification (germline): Uncertain significance. Review status: criteria provided, single submitter (1 of 4 stars). 2 submissions from 2 submitters: Uncertain significance (1). 1 of the submissions does not count toward it. Last evaluated 2017-06-27.

Conditions:
ABCB11-related disorder. Also called: ABCB11-related condition.

gnomAD v4.1: 2 of 1,611,040 alleles (0.00012%); highest among the groups gnomAD compares: Admixed American, 0.0017%; no homozygotes.

Submissions (2):

Eurofins Ntd Llc (ga)
Classification: Uncertain significance. Last evaluated: 2017-06-27. Review status: criteria provided, single submitter. Criteria: EGL Classification Definitions 2015. Collection method: clinical testing. Allele origin: germline. Observed: 1 variant allele, 1 heterozygote.

PreventionGenetics, part of Exact Sciences
Classification: Uncertain significance for ABCB11-related condition. Last evaluated: 2023-11-22. Review status: no assertion criteria provided. Collection method: clinical testing. Allele origin: germline. Not counted in ClinVar's aggregate classification.
Comment: The ABCB11 c.713G>C variant is predicted to result in the amino acid substitution p.Gly238Ala. To our knowledge, this variant has not been reported in the literature or in a large population database, indicating this variant is rare. A different amino acid substitution at this position (p.Gly238Val) has been reported in patients with ABCB11-related disorders (Wang et al. 2008. PubMed ID: 18798335). At this time, the clinical significance of this variant is uncertain due to the absence of conclusive functional and genetic evidence.